The following is an entry in ClinVar:

ClinVar aggregate classification (germline): Uncertain significance. Review status: criteria provided, multiple submitters, no conflicts (2 of 4 stars). 2 submissions from 2 submitters: Uncertain significance (2). Last evaluated 2023-11-27.

Conditions:
Kufor-Rakeb syndrome (KRS). Also called: PARKINSON DISEASE 9, AUTOSOMAL RECESSIVE, JUVENILE-ONSET. Identifiers: Orphanet 306674, Orphanet 314632, MedGen C1847640, MONDO:0011706, OMIM 606693.
Autosomal recessive spastic paraplegia type 78. Identifiers: Orphanet 513436, MedGen C5567893, MONDO:0014975, OMIM 617225.

gnomAD v4.1: 2 of 1,613,452 alleles (0.00012%); highest among the groups gnomAD compares: Non-Finnish European, 0.00017%; no homozygotes.

Submissions (2):

Labcorp Genetics (formerly Invitae), Labcorp
Classification: Uncertain significance for Kufor-Rakeb syndrome; Autosomal recessive spastic paraplegia type 78. Last evaluated: 2023-11-27. Review status: criteria provided, single submitter. Criteria: Invitae Variant Classification Sherloc (09022015). Collection method: clinical testing. Allele origin: germline.
Comment: This sequence change replaces threonine, which is neutral and polar, with isoleucine, which is neutral and non-polar, at codon 1023 of the ATP13A2 protein (p.Thr1023Ile). This variant is not present in population databases (gnomAD no frequency). This variant has not been reported in the literature in individuals affected with ATP13A2-related conditions. ClinVar contains an entry for this variant (Variation ID: 872232). Advanced modeling of protein sequence and biophysical properties (such as structural, functional, and spatial information, amino acid conservation, physicochemical variation, residue mobility, and thermodynamic stability) performed at Invitae indicates that this missense variant is not expected to disrupt ATP13A2 protein function with a negative predictive value of 80%. In summary, the available evidence is currently insufficient to determine the role of this variant in disease. Therefore, it has been classified as a Variant of Uncertain Significance.

CeGaT Center for Human Genetics Tuebingen
Classification: Uncertain significance. Last evaluated: 2019-12-01. Review status: criteria provided, single submitter. Criteria: CeGaT Center For Human Genetics Tuebingen Variant Classification Criteria Version 2. Collection method: clinical testing. Allele origin: germline. Affected: yes. Observed: 1 variant allele.

NM_022089.4(ATP13A2):c.3068C>T (p.Thr1023Ile)

Gene: ATP13A2 (ATPase cation transporting 13A2; minus strand). Cytogenetic location: 1p36.13.
Variant type: single nucleotide variant.
Coding change: c.3068C>T on transcript NM_022089.4 (MANE Select); coding-DNA position 3068, C replaced by T.
Protein change: p.Thr1023Ile; replaces threonine 1023 with isoleucine.
Molecular consequence: missense variant.
Genome position (GRCh38, 1-based): chr1:16,987,061, G>A on the plus strand (C>T on the coding strand, the complement: ATP13A2 is on the minus strand). VCF-style: chr1-16987061-G-A. GRCh37 (hg19) VCF-style: chr1-17313556-G-A.
Other names: c.3053C>T, p.Thr1018Ile (NM_001141973.3); c.2936C>T, p.Thr979Ile (NM_001141974.3); short protein forms T1023I, T979I, T1018I.
Identifiers: ClinVar variation 872232 (VCV000872232.46), dbSNP rs951420437, ClinGen allele CA338234343.